The following is an entry in ClinVar:

NM_000093.5(COL5A1):c.4676A>C (p.His1559Pro)

Genes: COL5A1 (collagen type V alpha 1 chain; plus strand), LOC101448202 (uncharacterized LOC101448202; minus strand). Cytogenetic location: 9q34.3.
Variant type: single nucleotide variant.
Coding change: c.4676A>C on transcript NM_000093.5 (MANE Select); coding-DNA position 4676, A replaced by C.
Protein change: p.His1559Pro; replaces histidine 1559 with proline.
Molecular consequence: missense variant.
Genome position (GRCh38, 1-based): chr9:134,823,447, A>C. VCF-style: chr9-134823447-A-C. GRCh37 (hg19) VCF-style: chr9-137715293-A-C.
Other names: c.4676A>C, p.His1559Pro (NM_001278074.1); c.4676A>C (NM_000093.3); short protein forms H1559P.
Identifiers: ClinVar variation 662135 (VCV000662135.24), dbSNP rs768691969, ClinGen allele CA5320417.

ClinVar aggregate classification (germline): Conflicting classifications of pathogenicity. Review status: criteria provided, conflicting classifications (1 of 4 stars). 6 submissions from 6 submitters: Uncertain significance (2); Likely benign (4). Last evaluated 2026-07-09.

Conditions:
COL5A1-related disorder. Also called: COL5A1-related condition.
Ehlers-Danlos syndrome, classic type, 1 (EDSCL1). Also called: Ehlers-Danlos syndrome, type 1; Ehlers-Danlos Syndrome, Classic Type, COL5A1-Related; EDS I; EHLERS-DANLOS SYNDROME, GRAVIS TYPE; EHLERS-DANLOS SYNDROME, SEVERE CLASSIC TYPE. Identifiers: MedGen C0268335, MONDO:0019567, OMIM 130000.
Familial thoracic aortic aneurysm and aortic dissection (TAAD). Also called: Thoracic aortic aneurysms and dissections. Identifiers: Orphanet 91387, MedGen C4707243, MONDO:0019625.

Allele frequency attached by ClinVar (database versions not stated): gnomAD exomes 0.00003 and 0.00007; ExAC 0.00006; gnomAD 0.00019 and 0.00021; TOPMed 0.00025.
gnomAD v4.1: 80 of 1,613,976 alleles (0.005%); highest among the groups gnomAD compares: Admixed American, 0.075%; no homozygotes.

Submissions (6):

Ambry Genetics
Classification: Likely benign for Familial thoracic aortic aneurysm and aortic dissection. Last evaluated: 2026-07-09. Review status: criteria provided, single submitter. Criteria: Ambry Variant Classification Scheme 2023. Collection method: clinical testing. Allele origin: germline.

PreventionGenetics, part of Exact Sciences
Classification: Uncertain significance for COL5A1-related condition. Last evaluated: 2026-06-24. Review status: criteria provided, single submitter. Criteria: ACMG Guidelines, 2015. Collection method: clinical testing. Allele origin: germline.
Comment: The COL5A1 c.4676A>C variant is predicted to result in the amino acid substitution p.His1559Pro. To our knowledge, this variant has not been reported in the literature. This variant is reported in 0.037% of alleles in individuals of Latino descent in gnomAD, which is likely too common for an undocumented disease-causing variant. Although we suspect that this variant may be benign, at this time, the clinical significance of this variant is uncertain due to the absence of conclusive functional and genetic evidence.

CeGaT Center for Human Genetics Tuebingen
Classification: Likely benign. Last evaluated: 2026-02-01. Review status: criteria provided, single submitter. Criteria: CeGaT Center For Human Genetics Tuebingen Variant Classification Criteria Version 2. Collection method: clinical testing. Allele origin: germline. Affected: yes. Observed: 1 variant allele.
Comment: COL5A1: BP4

Labcorp Genetics (formerly Invitae), Labcorp
Classification: Likely benign for Ehlers-Danlos syndrome, classic type, 1. Last evaluated: 2025-10-06. Review status: criteria provided, single submitter. Criteria: Invitae Variant Classification Sherloc (09022015). Collection method: clinical testing. Allele origin: germline.

GeneDx
Classification: Uncertain significance. Last evaluated: 2025-03-20. Review status: criteria provided, single submitter. Criteria: GeneDx Variant Classification Process June 2021. Collection method: clinical testing. Allele origin: germline. Affected: yes.
Comment: Has not been previously published as pathogenic or benign to our knowledge; In silico analysis indicates that this missense variant does not alter protein structure/function; Occurs in the triple helical domain at the X position in the canonical Gly-X-Y repeat; although this variant may have an effect on normal protein folding and function, missense substitution at the X position is not a common mechanism of disease (PMID: 22696272; HGMD); This variant is associated with the following publications: (PMID: 22696272)

Women's Health and Genetics/Laboratory Corporation of America, LabCorp
Classification: Likely benign. Last evaluated: 2024-12-03. Review status: criteria provided, single submitter. Criteria: LabCorp Variant Classification Summary - May 2015. Collection method: clinical testing. Allele origin: germline.
Comment: Variant summary: COL5A1 c.4676A>C (p.His1559Pro) results in a non-conservative amino acid change in the encoded protein sequence. Four of five in-silico tools predict a benign effect of the variant on protein function. The variant allele was found at a frequency of 5e-05 in 1613976 control chromosomes, predominantly at a frequency of 0.00075 within the Latino subpopulation in the gnomAD database. The observed variant frequency within Latino control individuals in the gnomAD database is approximately 24 fold of the estimated maximal expected allele frequency for a pathogenic variant in COL5A1 causing Ehlers-Danlos syndrome, classic type, Ehlers-Danlos syndrome, classic type, 1 phenotype (3.1e-05). To our knowledge, no occurrence of c.4676A>C in individuals affected with Ehlers-Danlos syndrome, classic type, Ehlers-Danlos syndrome, classic type, 1 and no experimental evidence demonstrating its impact on protein function have been reported. ClinVar contains an entry for this variant (Variation ID: 662135). Based on the evidence outlined above, the variant was classified as likely benign.